The following is an entry in ClinVar:

ClinVar aggregate classification (germline): Benign. Review status: criteria provided, multiple submitters, no conflicts (2 of 4 stars). 8 submissions from 8 submitters: Benign (6). 2 of the submissions do not count toward it. Last evaluated 2026-02-03.

Conditions:
RAI1-related disorder. Also called: RAI1-related condition.
Inborn genetic diseases. Identifiers: MedGen C0950123, MeSH D030342.

Allele frequency attached by ClinVar (database versions not stated): gnomAD 0.02170 and 0.02023; ESP Exome Variant Server 0.02190; TOPMed 0.02283; gnomAD exomes 0.00178 and 0.00497; ExAC 0.00593; 1000 Genomes Project 30x 0.02092; 1000 Genomes Project 0.02097.
gnomAD v4.1: 5,811 of 1,612,076 alleles (0.36%); highest among the groups gnomAD compares: African/African-American, 6.8%; 178 homozygotes.

Submissions (8):

Labcorp Genetics (formerly Invitae), Labcorp
Classification: Benign. Last evaluated: 2026-02-03. Review status: criteria provided, single submitter. Criteria: Invitae Variant Classification Sherloc (09022015). Collection method: clinical testing. Allele origin: germline.

Athena Diagnostics
Classification: Benign. Last evaluated: 2019-04-23. Review status: criteria provided, single submitter. Criteria: Athena Diagnostics Criteria. Collection method: clinical testing. Allele origin: germline.

Ambry Genetics
Classification: Benign for Inborn genetic diseases. Last evaluated: 2016-04-15. Review status: criteria provided, single submitter. Criteria: Ambry Variant Classification Scheme 2023. Collection method: clinical testing. Allele origin: germline.

GeneDx
Classification: Benign. Last evaluated: 2015-03-03. Review status: criteria provided, single submitter. Criteria: GeneDx Variant Classification Process June 2021. Collection method: clinical testing. Allele origin: germline. Affected: yes.

Eurofins Ntd Llc (ga)
Classification: Benign. Last evaluated: 2013-10-04. Review status: criteria provided, single submitter. Criteria: EGL Classification Definitions 2015. Collection method: clinical testing. Allele origin: germline. Observed: 2 variant alleles, 2 heterozygotes.

Breakthrough Genomics
Classification: Benign. Review status: criteria provided, single submitter. Criteria: ACMG Guidelines, 2015. Collection method: not provided. Allele origin: germline. Inheritance: Autosomal dominant inheritance. Affected: yes.

PreventionGenetics, part of Exact Sciences
Classification: Benign for RAI1-related condition. Last evaluated: 2019-05-07. Review status: no assertion criteria provided. Collection method: clinical testing. Allele origin: germline. Not counted in ClinVar's aggregate classification.
Comment: This variant is classified as benign based on ACMG/AMP sequence variant interpretation guidelines (Richards et al. 2015 PMID: 25741868, with internal and published modifications).

Genetic Services Laboratory, University of Chicago
Classification: Likely benign for AllHighlyPenetrant. Review status: no assertion criteria provided. Collection method: clinical testing. Allele origin: germline. Inheritance: Autosomal dominant inheritance. Not counted in ClinVar's aggregate classification.
Comment: Likely benign based on allele frequency in 1000 Genomes Project or ESP global frequency and its presence in a patient with a rare or unrelated disease phenotype. NOT Sanger confirmed.

NM_030665.4(RAI1):c.264G>A (p.Gln88=)

Gene: RAI1 (retinoic acid induced 1; plus strand). Cytogenetic location: 17p11.2.
Variant type: single nucleotide variant.
Coding change: c.264G>A on transcript NM_030665.4 (MANE Select); coding-DNA position 264, G replaced by A.
Protein change: p.Gln88=; no amino-acid change (glutamine 88 retained).
Molecular consequence: synonymous variant.
Genome position (GRCh38, 1-based): chr17:17,793,212, G>A. VCF-style: chr17-17793212-G-A. GRCh37 (hg19) VCF-style: chr17-17696526-G-A.
Identifiers: ClinVar variation 96182 (VCV000096182.26), dbSNP rs61999281, ClinGen allele CA149329.
Genomic context (GRCh38, chr17:17,793,212, plus strand): 5'-CACTGCAGCCGCGGTGGCCGCCGACAAGTACCACCGAGGCAGCAAGGCCCTGCCCACACA[G>A]CAAGGCCTGCAGGGGAGGCCGGCTTTCCCTGGCTACGGCGTCCAGGACAGCAGCCCCTAC-3'
Protein context (NP_109590.3, residues 78-98): YHRGSKALPT[Gln88=]QGLQGRPAFP